The following is an entry in ClinVar:

ClinVar aggregate classification (germline): Uncertain significance (1 of 4 stars; one submission).

Conditions:
Catecholaminergic polymorphic ventricular tachycardia (CVPT). Also called: Catecholamine-induced polymorphic ventricular tachycardia. Identifiers: Orphanet 3286, MedGen C5574922, MONDO:0017990.

Allele frequency attached by ClinVar (database versions not stated): gnomAD exomes below 0.00001.
gnomAD v4.1: 1 of 1,613,754 alleles (0.000062%); highest among the groups gnomAD compares: Non-Finnish European, 0.000085%; no homozygotes.

Submission:

All of Us Research Program, National Institutes of Health
Classification: Uncertain significance for Catecholaminergic polymorphic ventricular tachycardia. Last evaluated: 2023-02-24. Review status: criteria provided, single submitter. Criteria: ACMG Guidelines, 2015. Collection method: clinical testing. Allele origin: germline. Inheritance: Autosomal dominant inheritance. Observed: 1 variant allele, 1 heterozygote.
Comment: This missense variant replaces valine with isoleucine at codon 346 of the RYR2 protein. Computational prediction suggests that this variant may not impact protein structure and function (internally defined REVEL score threshold <= 0.5, PMID: 27666373). To our knowledge, functional studies have not been reported for this variant. This variant has not been reported in individuals affected with RYR2-related disorders in the literature. This variant has not been identified in the general population by the Genome Aggregation Database (gnomAD). The available evidence is insufficient to determine the role of this variant in disease conclusively. Therefore, this variant is classified as a Variant of Uncertain Significance.

This study involves interpretation of variants in research participants for the purpose of population health screening. Participant phenotype was not available at the time of variant classification. Additional details can be found in publication PMID: 35346344, PMCID: PMC8962531

NM_001035.3(RYR2):c.1036G>A (p.Val346Ile)

Gene: RYR2 (ryanodine receptor 2; plus strand). Cytogenetic location: 1q43.
Variant type: single nucleotide variant.
Coding change: c.1036G>A on transcript NM_001035.3 (MANE Select); coding-DNA position 1036, G replaced by A.
Protein change: p.Val346Ile; replaces valine 346 with isoleucine.
Molecular consequence: missense variant.
Genome position (GRCh38, 1-based): chr1:237,441,349, G>A. VCF-style: chr1-237441349-G-A. GRCh37 (hg19) VCF-style: chr1-237604649-G-A.
Other names: short protein forms V346I.
Identifiers: ClinVar variation 3069573 (VCV003069573.1), dbSNP rs2528320723, ClinGen allele CA345376024.